The following is an entry in ClinVar:

ClinVar aggregate classification (germline): Uncertain significance (1 of 4 stars; one submission).

Conditions:
Ehlers-Danlos syndrome, classic type, 1 (EDSCL1). Also called: EHLERS-DANLOS SYNDROME, GRAVIS TYPE; EHLERS-DANLOS SYNDROME, SEVERE CLASSIC TYPE; Ehlers-Danlos syndrome, type 1; Ehlers-Danlos Syndrome, Classic Type, COL5A1-Related; EDS I. Identifiers: MedGen C0268335, MONDO:0019567, OMIM 130000.

Allele frequency attached by ClinVar (database versions not stated): gnomAD exomes below 0.00001.
gnomAD v4.1: 1 of 1,614,046 alleles (0.000062%); highest among the groups gnomAD compares: East Asian, 0.0022%; no homozygotes.

Submission:

Labcorp Genetics (formerly Invitae), Labcorp
Classification: Uncertain significance for Ehlers-Danlos syndrome, classic type, 1. Last evaluated: 2022-07-19. Review status: criteria provided, single submitter. Criteria: Invitae Variant Classification Sherloc (09022015). Collection method: clinical testing. Allele origin: germline.
Comment: This variant has not been reported in the literature in individuals affected with COL5A1-related conditions. In summary, the available evidence is currently insufficient to determine the role of this variant in disease. Therefore, it has been classified as a Variant of Uncertain Significance. Variants that disrupt the consensus splice site are a relatively common cause of aberrant splicing (PMID: 17576681, 9536098). Algorithms developed to predict the effect of sequence changes on RNA splicing suggest that this variant may create or strengthen a splice site. ClinVar contains an entry for this variant (Variation ID: 1472392). This variant is not present in population databases (gnomAD no frequency). This sequence change falls in intron 35 of the COL5A1 gene. It does not directly change the encoded amino acid sequence of the COL5A1 protein. It affects a nucleotide within the consensus splice site.

Literature cited by the submitters: PubMed 17576681; PubMed 9536098.

NM_000093.5(COL5A1):c.2844+3A>G

Gene: COL5A1 (collagen type V alpha 1 chain; plus strand). Cytogenetic location: 9q34.3.
Variant type: single nucleotide variant.
Coding change: c.2844+3A>G on transcript NM_000093.5 (MANE Select); 3 bases into the intron after coding-DNA position 2844, A replaced by G.
Molecular consequence: intron variant.
Genome position (GRCh38, 1-based): chr9:134,796,421, A>G. VCF-style: chr9-134796421-A-G. GRCh37 (hg19) VCF-style: chr9-137688267-A-G.
Other names: c.2844+3A>G (NM_001278074.1).
Identifiers: ClinVar variation 1472392 (VCV001472392.4), dbSNP rs2132806641, ClinGen allele CA2573144140.